The following is an entry in ClinVar:

ClinVar aggregate classification (germline): Uncertain significance (1 of 4 stars; one submission).

gnomAD v4.1: 1 of 1,614,242 alleles (0.000062%); highest among the groups gnomAD compares: Non-Finnish European, 0.000085%; no homozygotes.

Submission:

Labcorp Genetics (formerly Invitae), Labcorp
Classification: Uncertain significance. Last evaluated: 2022-10-04. Review status: criteria provided, single submitter. Criteria: Invitae Variant Classification Sherloc (09022015). Collection method: clinical testing. Allele origin: germline.
Comment: This sequence change replaces leucine, which is neutral and non-polar, with proline, which is neutral and non-polar, at codon 976 of the ABCA4 protein (p.Leu976Pro). This variant is not present in population databases (gnomAD no frequency). This variant has not been reported in the literature in individuals affected with ABCA4-related conditions. Advanced modeling of protein sequence and biophysical properties (such as structural, functional, and spatial information, amino acid conservation, physicochemical variation, residue mobility, and thermodynamic stability) performed at Invitae indicates that this missense variant is expected to disrupt ABCA4 protein function. In summary, the available evidence is currently insufficient to determine the role of this variant in disease. Therefore, it has been classified as a Variant of Uncertain Significance.

NM_000350.3(ABCA4):c.2927T>C (p.Leu976Pro)

Gene: ABCA4 (ATP binding cassette subfamily A member 4; minus strand). Cytogenetic location: 1p22.1.
Variant type: single nucleotide variant.
Coding change: c.2927T>C on transcript NM_000350.3 (MANE Select); coding-DNA position 2927, T replaced by C.
Protein change: p.Leu976Pro; replaces leucine 976 with proline.
Molecular consequence: missense variant.
Genome position (GRCh38, 1-based): chr1:94,044,736, A>G on the plus strand (T>C on the coding strand, the complement: ABCA4 is on the minus strand). VCF-style: chr1-94044736-A-G. GRCh37 (hg19) VCF-style: chr1-94510292-A-G.
Other names: c.2705T>C, p.Leu902Pro (NM_001425324.1); short protein forms L976P, L902P.
Identifiers: ClinVar variation 2025561 (VCV002025561.1), dbSNP rs2523780403, ClinGen allele CA341275256.